The following is an entry in ClinVar:

ClinVar aggregate classification (germline): Uncertain significance (1 of 4 stars; one submission).

Submission:

GeneDx
Classification: Uncertain significance. Last evaluated: 2023-12-08. Review status: criteria provided, single submitter. Criteria: GeneDx Variant Classification Process June 2021. Collection method: clinical testing. Allele origin: germline. Affected: yes.
Comment: Not observed at significant frequency in large population cohorts (gnomAD); In silico analysis supports that this missense variant does not alter protein structure/function; Has not been previously published as pathogenic or benign to our knowledge

NM_001039141.3(TRIOBP):c.5768C>A (p.Ala1923Glu)

Gene: TRIOBP (TRIO and F-actin binding protein; plus strand). Cytogenetic location: 22q13.1.
Variant type: single nucleotide variant.
Coding change: c.5768C>A on transcript NM_001039141.3 (MANE Select); coding-DNA position 5768, C replaced by A.
Protein change: p.Ala1923Glu; replaces alanine 1923 with glutamic acid.
Molecular consequence: missense variant.
Genome position (GRCh38, 1-based): chr22:37,757,693, C>A. VCF-style: chr22-37757693-C-A. GRCh37 (hg19) VCF-style: chr22-38153700-C-A.
Other names: c.629C>A, p.Ala210Glu (NM_007032.5, NM_138632.2); short protein forms A1923E, A210E.
Identifiers: ClinVar variation 3252586 (VCV003252586.1), dbSNP rs758544052.